The following is an entry in ClinVar:

ClinVar aggregate classification (germline): Uncertain significance (1 of 4 stars; one submission).

Conditions:
Congenital myasthenic syndrome 10. Also called: Myasthenia, limb-girdle, familial. Identifiers: Orphanet 590, MedGen C1850792, MONDO:0009690, OMIM 254300.
Fetal akinesia deformation sequence 1 (FADS1). Also called: Fetal akinesia sequence; Pena-Shokeir syndrome type I. Identifiers: Orphanet 994, MedGen C1276035, MONDO:0100101, OMIM 208150, HP:0001989.

Allele frequency attached by ClinVar (database versions not stated): gnomAD exomes below 0.00001.
gnomAD v4.1: 4 of 1,611,254 alleles (0.00025%); highest among the groups gnomAD compares: Non-Finnish European, 0.00034%; no homozygotes.

Submission:

Labcorp Genetics (formerly Invitae), Labcorp
Classification: Uncertain significance for Congenital myasthenic syndrome 10; Fetal akinesia deformation sequence 1. Last evaluated: 2022-08-16. Review status: criteria provided, single submitter. Criteria: Invitae Variant Classification Sherloc (09022015). Collection method: clinical testing. Allele origin: germline.
Comment: In summary, the available evidence is currently insufficient to determine the role of this variant in disease. Therefore, it has been classified as a Variant of Uncertain Significance. Algorithms developed to predict the effect of missense changes on protein structure and function (SIFT, PolyPhen-2, Align-GVGD) all suggest that this variant is likely to be tolerated. ClinVar contains an entry for this variant (Variation ID: 1050867). This variant has not been reported in the literature in individuals affected with DOK7-related conditions. This variant is not present in population databases (gnomAD no frequency). This sequence change replaces valine, which is neutral and non-polar, with isoleucine, which is neutral and non-polar, at codon 500 of the DOK7 protein (p.Val500Ile).

NM_173660.5(DOK7):c.1498G>A (p.Val500Ile)

Gene: DOK7 (docking protein 7; plus strand). Cytogenetic location: 4p16.3.
Variant type: single nucleotide variant.
Coding change: c.1498G>A on transcript NM_173660.5 (MANE Select); coding-DNA position 1498, G replaced by A.
Protein change: p.Val500Ile; replaces valine 500 with isoleucine.
Molecular consequence: missense variant. On other transcripts: 3 prime UTR variant (1), splice donor variant (2).
Genome position (GRCh38, 1-based): chr4:3,493,484, G>A. VCF-style: chr4-3493484-G-A. GRCh37 (hg19) VCF-style: chr4-3495211-G-A.
Other names: c.*719G>A (NM_001164673.2); c.568G>A, p.Val190Ile (NM_001256896.2); c.1497+1G>A (NM_001301071.2); c.1065+1G>A (NM_001363811.2); short protein forms V190I, V500I.
Identifiers: ClinVar variation 1050867 (VCV001050867.9), dbSNP rs1041024260, ClinGen allele CA91557798.